The following is an entry in ClinVar:

ClinVar aggregate classification (germline): Benign. Review status: criteria provided, multiple submitters, no conflicts (2 of 4 stars). 2 submissions from 2 submitters: Benign (2). Last evaluated 2018-01-12.

Conditions:
Aicardi-Goutieres syndrome 3. Identifiers: Orphanet 51, MedGen C1835916, MONDO:0012471, OMIM 610329.

Allele frequency attached by ClinVar (database versions not stated): gnomAD 0.29851 and 0.30708; 1000 Genomes Project 0.21006; TOPMed 0.30186; gnomAD exomes 0.35393; 1000 Genomes Project 30x 0.21205.
gnomAD v4.1: 45,697 of 152,498 alleles (30%); highest among the groups gnomAD compares: Non-Finnish European, 36%; 7,318 homozygotes.

Submissions (2):

Illumina Laboratory Services, Illumina
Classification: Benign for Aicardi-Goutieres syndrome 3. Last evaluated: 2018-01-12. Review status: criteria provided, single submitter. Criteria: ICSL Variant Classification Criteria 13 December 2019. Collection method: clinical testing. Allele origin: germline.
Comment: This variant was observed in the ICSL laboratory as part of a predisposition screen in an ostensibly healthy population. It had not been previously curated by ICSL or reported in the Human Gene Mutation Database (HGMD: prior to June 1st, 2018), and was therefore a candidate for classification through an automated scoring system. Utilizing variant allele frequency, disease prevalence and penetrance estimates, and inheritance mode, an automated score was calculated to assess if this variant is too frequent to cause the disease. Based on the score and internal cut-off values, a variant classified as benign is not then subjected to further curation. The score for this variant resulted in a classification of benign for this disease.

Breakthrough Genomics
Classification: Benign. Review status: criteria provided, single submitter. Criteria: ACMG Guidelines, 2015. Collection method: not provided. Allele origin: germline. Inheritance: Autosomal recessive inheritance. Affected: yes.

NM_032193.4(RNASEH2C):c.*2036C>T

Genes: KAT5 (lysine acetyltransferase 5; plus strand), RNASEH2C (ribonuclease H2 subunit C; minus strand). Cytogenetic location: 11q13.1.
Variant type: single nucleotide variant.
Coding change: c.*2036C>T on transcript NM_032193.4 (MANE Select); 2036 bases downstream of the stop codon, C replaced by T.
Molecular consequence: 3 prime UTR variant. On other transcripts: intron variant (4).
Genome position (GRCh38, 1-based): chr11:65,717,747, G>A on the plus strand (C>T on the coding strand, the complement: RNASEH2C is on the minus strand). VCF-style: chr11-65717747-G-A. GRCh37 (hg19) VCF-style: chr11-65485218-G-A.
Other names: c.1264+765G>A (NM_182710.3); c.1108+765G>A (NM_001206833.2); c.1165+765G>A (NM_006388.4); c.1009+765G>A (NM_182709.3).
Identifiers: ClinVar variation 305322 (VCV000305322.6), dbSNP rs3372, ClinGen allele CA10635267.